The following is an entry in ClinVar:

ClinVar aggregate classification (germline): Uncertain significance (1 of 4 stars; one submission).

Allele frequency attached by ClinVar (database versions not stated): TOPMed 0.00002; gnomAD exomes 0.00001.
gnomAD v4.1: 9 of 1,596,382 alleles (0.00056%); highest among the groups gnomAD compares: South Asian, 0.0033%; no homozygotes.

Submission:

Labcorp Genetics (formerly Invitae), Labcorp
Classification: Uncertain significance. Last evaluated: 2023-07-07. Review status: criteria provided, single submitter. Criteria: Invitae Variant Classification Sherloc (09022015). Collection method: clinical testing. Allele origin: germline.
Comment: This variant is present in population databases (no rsID available, gnomAD 0.007%). This sequence change replaces arginine, which is basic and polar, with histidine, which is basic and polar, at codon 692 of the SZT2 protein (p.Arg692His). This variant has not been reported in the literature in individuals affected with SZT2-related conditions. ClinVar contains an entry for this variant (Variation ID: 859408). Advanced modeling of protein sequence and biophysical properties (such as structural, functional, and spatial information, amino acid conservation, physicochemical variation, residue mobility, and thermodynamic stability) performed at Invitae indicates that this missense variant is expected to disrupt SZT2 protein function. In summary, the available evidence is currently insufficient to determine the role of this variant in disease. Therefore, it has been classified as a Variant of Uncertain Significance.

NM_001365999.1(SZT2):c.2075G>A (p.Arg692His)

Gene: SZT2 (SZT2 subunit of KICSTOR complex; plus strand). Cytogenetic location: 1p34.2.
Variant type: single nucleotide variant.
Coding change: c.2075G>A on transcript NM_001365999.1 (MANE Select); coding-DNA position 2075, G replaced by A.
Protein change: p.Arg692His; replaces arginine 692 with histidine.
Molecular consequence: missense variant.
Genome position (GRCh38, 1-based): chr1:43,423,136, G>A. VCF-style: chr1-43423136-G-A. GRCh37 (hg19) VCF-style: chr1-43888807-G-A.
Other names: c.2075G>A, p.Arg692His (NM_015284.4); short protein forms R692H.
Identifiers: ClinVar variation 859408 (VCV000859408.9), dbSNP rs951853792, ClinGen allele CA21630648.